The following is an entry in ClinVar:

ClinVar aggregate classification (germline): Uncertain significance. Review status: criteria provided, multiple submitters, no conflicts (2 of 4 stars). 2 submissions from 2 submitters: Uncertain significance (2). Last evaluated 2024-07-30.

Allele frequency attached by ClinVar (database versions not stated): gnomAD 0.00001; gnomAD exomes 0.00001.
gnomAD v4.1: 11 of 1,612,720 alleles (0.00068%); highest among the groups gnomAD compares: Non-Finnish European, 0.00076%; no homozygotes.

Submissions (2):

Ambry Genetics
Classification: Uncertain significance. Last evaluated: 2024-07-30. Review status: criteria provided, single submitter. Criteria: Ambry Variant Classification Scheme 2023. Collection method: clinical testing. Allele origin: germline.

Labcorp Genetics (formerly Invitae), Labcorp
Classification: Uncertain significance. Last evaluated: 2023-03-30. Review status: criteria provided, single submitter. Criteria: Invitae Variant Classification Sherloc (09022015). Collection method: clinical testing. Allele origin: germline.
Comment: This sequence change replaces glutamic acid, which is acidic and polar, with lysine, which is basic and polar, at codon 347 of the MICAL1 protein (p.Glu347Lys). This variant is not present in population databases (gnomAD no frequency). This variant has not been reported in the literature in individuals affected with MICAL1-related conditions. An algorithm developed to predict the effect of missense changes on protein structure and function (PolyPhen-2) suggests that this variant is likely to be tolerated. In summary, the available evidence is currently insufficient to determine the role of this variant in disease. Therefore, it has been classified as a Variant of Uncertain Significance.

NM_022765.4(MICAL1):c.982G>A (p.Glu328Lys)

Gene: MICAL1 (microtubule associated monooxygenase, calponin and LIM domain containing 1; minus strand). Cytogenetic location: 6q21.
Variant type: single nucleotide variant.
Coding change: c.982G>A on transcript NM_022765.4 (MANE Select); coding-DNA position 982, G replaced by A.
Protein change: p.Glu328Lys; replaces glutamic acid 328 with lysine.
Molecular consequence: missense variant. On other transcripts: intron variant (1).
Genome position (GRCh38, 1-based): chr6:109,450,509, C>T on the plus strand (G>A on the coding strand, the complement: MICAL1 is on the minus strand). VCF-style: chr6-109450509-C-T. GRCh37 (hg19) VCF-style: chr6-109771712-C-T.
Other names: c.1039G>A, p.Glu347Lys (NM_001286613.2); c.934-424G>A (NM_001159291.2); c.982G>A (NM_022765.3); short protein forms E328K, E347K.
Identifiers: ClinVar variation 2955933 (VCV002955933.4), dbSNP rs756783849, ClinGen allele CA145120486.
Genomic context (GRCh38, chr6:109,450,509, plus strand): 5'-TCCCGAGCTTGCCATGGGTGGCAAAGTCAGCAGCTGCCCGGGTAAAGCGCTGCAGAGCCT[C>T]GGGCACCACATTGGCACTGCCCAGCAGCCGATTGGTGTCTGGCCAGTCCTGTATGGTCAA-3'
Protein context (NP_073602.3, residues 318-338): RLLGSANVVP[Glu328Lys]ALQRFTRAAA